The following is an entry in ClinVar:

ClinVar aggregate classification (germline): Pathogenic/Likely pathogenic. Review status: criteria provided, multiple submitters, no conflicts (2 of 4 stars). 2 submissions from 2 submitters: Pathogenic (1); Likely pathogenic (1). Last evaluated 2024-01-22.

Conditions:
Lynch syndrome. Identifiers: Orphanet 144, MedGen C4552100, MONDO:0005835. Disease mechanism: loss of function.
Hereditary cancer-predisposing syndrome. Also called: Hereditary neoplastic syndrome; Hereditary Cancer Syndrome; Neoplastic Syndromes, Hereditary; Tumor predisposition. Identifiers: Orphanet 140162, MedGen C0027672, MeSH D009386, MONDO:0015356.

Submissions (2):

Color Diagnostics, LLC DBA Color Health
Classification: Pathogenic for Hereditary cancer-predisposing syndrome. Last evaluated: 2024-01-22. Review status: criteria provided, single submitter. Criteria: ACMG Guidelines, 2015. Collection method: clinical testing. Allele origin: germline.
Comment: This variant changes 1 nucleotide in exon 7 of the MSH6 gene, creating a premature translation stop signal. This variant is expected to result in an absent or non-functional protein product. This variant has been reported in an individual affected with early onset colorectal cancer that demonstrated mismatch repair deficiency via immunohistochemistry and high microsatellite instability (PMID: 35638907). This variant has not been identified in the general population by the Genome Aggregation Database (gnomAD). Loss of MSH6 function is a known mechanism of disease. Based on the available evidence, this variant is classified as Pathogenic.

All of Us Research Program, National Institutes of Health
Classification: Likely pathogenic for Lynch syndrome. Last evaluated: 2023-11-16. Review status: criteria provided, single submitter. Criteria: ACMG Guidelines, 2015. Collection method: clinical testing. Allele origin: germline. Inheritance: Autosomal dominant inheritance. Observed: 1 variant allele, 1 heterozygote.
Comment: The c.3646G>T (p.Gly1216*) variant in the MSH6 gene is located on the exon 7 and is predicted to introduce a premature translation termination codon (p.Gly1216*), resulting in an absent or disrupted protein product. Loss-of-function variants in MSH6 are known to be pathogenic (PMID: 30376427, 18269114, 28514183). The variant has been reported in an individual with colorectal cancer (PMID: 35638907). The variant is not reported in ClinVar. The variant is absent in the general population database (gnomAD). Therefore, the c.3646G>T (p.Gly1216*) variant of MSH6 has been classified as likely pathogenic.

This study involves interpretation of variants in research participants for the purpose of population health screening. Participant phenotype was not available at the time of variant classification. Additional details can be found in publication PMID: 35346344, PMCID: PMC8962531

Literature cited by the submitters: PubMed 35638907 (cited by Color Diagnostics, LLC DBA Color Health and All of Us Research Program, National Institutes of Health); PubMed 18269114 (cited by All of Us Research Program, National Institutes of Health); PubMed 28514183 (cited by All of Us Research Program, National Institutes of Health); PubMed 30376427 (cited by All of Us Research Program, National Institutes of Health).

NM_000179.3(MSH6):c.3646G>T (p.Gly1216Ter)

Gene: MSH6 (mutS homolog 6; plus strand). Cytogenetic location: 2p16.3.
Variant type: single nucleotide variant.
Coding change: c.3646G>T on transcript NM_000179.3 (MANE Select); coding-DNA position 3646, G replaced by T.
Protein change: p.Gly1216Ter; replaces glycine 1216 with a stop codon.
Molecular consequence: nonsense. On other transcripts: non-coding transcript variant (5).
Genome position (GRCh38, 1-based): chr2:47,805,707, G>T. VCF-style: chr2-47805707-G-T. GRCh37 (hg19) VCF-style: chr2-48032846-G-T.
Other names: c.3256G>T, p.Gly1086Ter (NM_001281492.2); c.2740G>T, p.Gly914Ter (NM_001281493.2, NM_001281494.2, NM_001406811.1 and 6 more transcripts); c.3742G>T, p.Gly1248Ter (NM_001406795.1, NM_001406802.1); c.3646G>T, p.Gly1216Ter (NM_001406796.1, NM_001406800.1, NM_001406808.1 and 1 more transcripts); c.3349G>T, p.Gly1117Ter (NM_001406797.1, NM_001406801.1, NM_001406805.1 and 10 more transcripts); c.3472G>T, p.Gly1158Ter (NM_001406798.1); c.3121G>T, p.Gly1041Ter (NM_001406799.1, NM_001406806.1, NM_001406807.1); c.2782G>T, p.Gly928Ter (NM_001406803.1); and 7 more; short protein forms G1041*, G1086*, G1117*, G1158*, G1160*, G1190*, G1216*, G1218*.
Identifiers: ClinVar variation 3073067 (VCV003073067.2), dbSNP rs1114167690, ClinGen allele CA346760637.